The following is an entry in ClinVar:

ClinVar aggregate classification (germline): Uncertain significance (1 of 4 stars; one submission).

gnomAD v4.1: 1 of 1,429,022 alleles (0.00007%); highest among the groups gnomAD compares: Non-Finnish European, 0.000091%; no homozygotes.

Submission:

Labcorp Genetics (formerly Invitae), Labcorp
Classification: Uncertain significance. Last evaluated: 2021-07-04. Review status: criteria provided, single submitter. Criteria: Invitae Variant Classification Sherloc (09022015). Collection method: clinical testing. Allele origin: germline.
Comment: In summary, the available evidence is currently insufficient to determine the role of this variant in disease. Therefore, it has been classified as a Variant of Uncertain Significance. Algorithms developed to predict the effect of missense changes on protein structure and function (SIFT, PolyPhen-2, Align-GVGD) all suggest that this variant is likely to be tolerated. This variant has not been reported in the literature in individuals affected with LONP1-related conditions. The frequency data for this variant in the population databases is considered unreliable, as metrics indicate insufficient coverage at this position in the ExAC database. This sequence change replaces threonine with isoleucine at codon 5 of the LONP1 protein (p.Thr5Ile). The threonine residue is weakly conserved and there is a moderate physicochemical difference between threonine and isoleucine.

NM_004793.4(LONP1):c.14C>T (p.Thr5Ile)

Gene: LONP1 (lon peptidase 1, mitochondrial; minus strand). Cytogenetic location: 19p13.3.
Variant type: single nucleotide variant.
Coding change: c.14C>T on transcript NM_004793.4 (MANE Select); coding-DNA position 14, C replaced by T.
Protein change: p.Thr5Ile; replaces threonine 5 with isoleucine.
Molecular consequence: missense variant. On other transcripts: non-coding transcript variant (1), intron variant (1).
Genome position (GRCh38, 1-based): chr19:5,720,119, G>A on the plus strand (C>T on the coding strand, the complement: LONP1 is on the minus strand). VCF-style: chr19-5720119-G-A. GRCh37 (hg19) VCF-style: chr19-5720130-G-A.
Other names: c.14C>T, p.Thr5Ile (NM_001276479.2); c.-160+100C>T (NM_001276480.1); short protein forms T5I.
Identifiers: ClinVar variation 1473396 (VCV001473396.8), dbSNP rs2055415429, ClinGen allele CA403544828.